The following is an entry in ClinVar:

ClinVar aggregate classification (germline): Uncertain significance. Review status: criteria provided, multiple submitters, no conflicts (2 of 4 stars). 3 submissions from 3 submitters: Uncertain significance (3). Last evaluated 2025-03-28.

Conditions:
SOX9-related disorder. Also called: SOX9-related condition.

Submissions (3):

3billion
Classification: Uncertain significance for SOX9-related disorder. Last evaluated: 2025-03-28. Review status: criteria provided, single submitter. Criteria: ACMG Guidelines, 2015. Collection method: clinical testing. Allele origin: germline. Affected: yes.

GeneDx
Classification: Uncertain significance. Last evaluated: 2023-07-04. Review status: criteria provided, single submitter. Criteria: GeneDx Variant Classification Process June 2021. Collection method: clinical testing. Allele origin: germline.
Comment: Not observed at significant frequency in large population cohorts (gnomAD); In silico analysis supports that this missense variant has a deleterious effect on protein structure/function; Has not been previously published as pathogenic or benign to our knowledge

Blueprint Genetics
Classification: Uncertain significance. Last evaluated: 2020-01-02. Review status: criteria provided, single submitter. Criteria: ACMG Guidelines, 2015. Collection method: clinical testing. Allele origin: germline.

NM_000346.4(SOX9):c.396C>G (p.Asn132Lys)

Genes: SOX9 (SRY-box transcription factor 9; plus strand), LOC108021846 (SOX9 promoter region; plus strand). Cytogenetic location: 17q24.3.
Variant type: single nucleotide variant.
Coding change: c.396C>G on transcript NM_000346.4 (MANE Select); coding-DNA position 396, C replaced by G.
Protein change: p.Asn132Lys; replaces asparagine 132 with lysine.
Molecular consequence: missense variant.
Genome position (GRCh38, 1-based): chr17:72,121,787, C>G. VCF-style: chr17-72121787-C-G. GRCh37 (hg19) VCF-style: chr17-70117928-C-G.
Other names: short protein forms N132K.
Identifiers: ClinVar variation 2499969 (VCV002499969.3), dbSNP rs1212851133, ClinGen allele CA400866185.
Genomic context (GRCh38, chr17:72,121,787, plus strand): 5'-CATGGTGTGGGCGCAGGCGGCGCGCAGGAAGCTCGCGGACCAGTACCCGCACTTGCACAA[C>G]GCCGAGCTCAGCAAGACGCTGGGCAAGCTCTGGAGGTAGGACCCGGCGGGGGCGGCGCGG-3'
Protein context (NP_000337.1, residues 122-142): KLADQYPHLH[Asn132Lys]AELSKTLGKL